The following is an entry in ClinVar:

NM_004369.4(COL6A3):c.1174A>G (p.Ile392Val)

Gene: COL6A3 (collagen type VI alpha 3 chain; minus strand). Cytogenetic location: 2q37.3.
Variant type: single nucleotide variant.
Coding change: c.1174A>G on transcript NM_004369.4 (MANE Select); coding-DNA position 1174, A replaced by G.
Protein change: p.Ile392Val; replaces isoleucine 392 with valine.
Molecular consequence: missense variant. On other transcripts: intron variant (2).
Genome position (GRCh38, 1-based): chr2:237,387,720, T>C on the plus strand (A>G on the coding strand, the complement: COL6A3 is on the minus strand). VCF-style: chr2-237387720-T-C. GRCh37 (hg19) VCF-style: chr2-238296363-T-C.
Other names: c.556A>G, p.Ile186Val (NM_057165.5, NM_057167.4); c.92-6221A>G (NM_057166.5, NM_057164.5); short protein forms I392V, I186V.
Identifiers: ClinVar variation 2202422 (VCV002202422.4), dbSNP rs201106875, ClinGen allele CA2189691.
Genomic context (GRCh38, chr2:237,387,720, plus strand): 5'-GGAGGTCCCCAAAGCTACGGAATTCCGGGACAGTAAACACCAAGTTGTCATCGGTAGCTA[T>C]GTGCTGAAGCTCTGCCCTGGAGGCGGCCTGGGCTCCAAGGCCGAATGAGAACACGCTAGC-3'
Protein context (NP_004360.2, residues 382-402): QAASRAELQH[Ile392Val]ATDDNLVFTV

ClinVar aggregate classification (germline): Uncertain significance (1 of 4 stars; one submission).

Conditions:
Bethlem myopathy 1A. Also called: Bethlem Muscular Dystrophy; MYOPATHY, BENIGN CONGENITAL, WITH CONTRACTURES; Bethlem myopathy 1. Identifiers: Orphanet 610, MedGen CN029274, MONDO:0024530, OMIM 158810.

Allele frequency attached by ClinVar (database versions not stated): gnomAD exomes below 0.00001; ExAC 0.00001.
gnomAD v4.1: 1 of 1,614,092 alleles (0.000062%); highest among the groups gnomAD compares: Non-Finnish European, 0.000085%; no homozygotes.

Submission:

Labcorp Genetics (formerly Invitae), Labcorp
Classification: Uncertain significance for Bethlem myopathy 1A. Last evaluated: 2024-10-08. Review status: criteria provided, single submitter. Criteria: Invitae Variant Classification Sherloc (09022015). Collection method: clinical testing. Allele origin: germline.
Comment: This sequence change replaces isoleucine, which is neutral and non-polar, with valine, which is neutral and non-polar, at codon 392 of the COL6A3 protein (p.Ile392Val). This variant is not present in population databases (gnomAD no frequency). This variant has not been reported in the literature in individuals affected with COL6A3-related conditions. ClinVar contains an entry for this variant (Variation ID: 2202422). Invitae Evidence Modeling of protein sequence and biophysical properties (such as structural, functional, and spatial information, amino acid conservation, physicochemical variation, residue mobility, and thermodynamic stability) indicates that this missense variant is not expected to disrupt COL6A3 protein function with a negative predictive value of 95%. In summary, the available evidence is currently insufficient to determine the role of this variant in disease. Therefore, it has been classified as a Variant of Uncertain Significance.